The following is an entry in ClinVar:

NM_001242896.3(DEPDC5):c.632del (p.Asn211fs)

Gene: DEPDC5 (DEP domain containing 5, GATOR1 subcomplex subunit; plus strand). Cytogenetic location: 22q12.2.
Variant type: Deletion.
Coding change: c.632del on transcript NM_001242896.3 (MANE Select); coding-DNA position 632, one base deleted (A; older notation c.632delA).
Protein change: p.Asn211fs; shifts the reading frame from asparagine 211.
Molecular consequence: frameshift variant. On other transcripts: non-coding transcript variant (5).
Genome position (GRCh38, 1-based): chr22:31,792,040, A deleted; the last of 2 consecutive A bases (chr22:31,792,039-31,792,040); deleting either gives the same sequence. VCF-style (leftmost placement, unchanged base first): chr22-31792038-GA-G. GRCh37 (hg19) VCF-style: chr22-32188024-GA-G.
Other names: c.632del, p.Asn211fs (NM_001007188.4, NM_001136029.4, NM_001242897.2 and 7 more transcripts); c.548del, p.Asn183fs (NM_001369901.1, NM_001369902.1); short protein forms N183fs, N211fs.
Identifiers: ClinVar variation 3652192 (VCV003652192.2).

ClinVar aggregate classification (germline): Pathogenic (1 of 4 stars; one submission).

Conditions:
Familial focal epilepsy with variable foci (FPEVF). Identifiers: Orphanet 98820, MedGen C1858477, MONDO:0020310.

Submission:

Labcorp Genetics (formerly Invitae), Labcorp
Classification: Pathogenic for Familial focal epilepsy with variable foci. Last evaluated: 2024-05-07. Review status: criteria provided, single submitter. Criteria: Invitae Variant Classification Sherloc (09022015). Collection method: clinical testing. Allele origin: germline.
Comment: This sequence change creates a premature translational stop signal (p.Asn211Thrfs*6) in the DEPDC5 gene. It is expected to result in an absent or disrupted protein product. Loss-of-function variants in DEPDC5 are known to be pathogenic (PMID: 23542697, 23542701). This variant is not present in population databases (gnomAD no frequency). This variant has not been reported in the literature in individuals affected with DEPDC5-related conditions. For these reasons, this variant has been classified as Pathogenic.

Literature cited by the submitters: PubMed 23542697; PubMed 23542701.